The following is an entry in ClinVar:

ClinVar aggregate classification (germline): Likely benign (1 of 4 stars; one submission).

Allele frequency attached by ClinVar (database versions not stated): gnomAD 0.00001; gnomAD exomes 0.00001; ExAC 0.00002.
gnomAD v4.1: 6 of 1,614,044 alleles (0.00037%); highest among the groups gnomAD compares: Middle Eastern, 0.016%; no homozygotes.

Submission:

CeGaT Center for Human Genetics Tuebingen
Classification: Likely benign. Last evaluated: 2022-06-01. Review status: criteria provided, single submitter. Criteria: CeGaT Center For Human Genetics Tuebingen Variant Classification Criteria Version 2. Collection method: clinical testing. Allele origin: germline. Affected: yes. Observed: 1 variant allele.
Comment: MAPKBP1: BP4, BP7

NM_014994.3(MAPKBP1):c.57A>G (p.Pro19=)

Gene: MAPKBP1 (mitogen-activated protein kinase binding protein 1; plus strand). Cytogenetic location: 15q15.1.
Variant type: single nucleotide variant.
Coding change: c.57A>G on transcript NM_014994.3 (MANE Select); coding-DNA position 57, A replaced by G.
Protein change: p.Pro19=; no amino-acid change (proline 19 retained).
Molecular consequence: synonymous variant. On other transcripts: non-coding transcript variant (2).
Genome position (GRCh38, 1-based): chr15:41,775,332, A>G. VCF-style: chr15-41775332-A-G. GRCh37 (hg19) VCF-style: chr15-42067530-A-G.
Other names: c.57A>G, p.Pro19= (NM_001128608.2, NM_001265611.2).
Identifiers: ClinVar variation 2645195 (VCV002645195.24), dbSNP rs762676287, ClinGen allele CA7497410.